The following is an entry in ClinVar:

NM_000435.3(NOTCH3):c.3838-3C>T

Gene: NOTCH3 (notch receptor 3; minus strand). Cytogenetic location: 19p13.12.
Variant type: single nucleotide variant.
Coding change: c.3838-3C>T on transcript NM_000435.3 (MANE Select); 3 bases into the intron before coding-DNA position 3838, C replaced by T.
Molecular consequence: intron variant.
Genome position (GRCh38, 1-based): chr19:15,178,093, G>A on the plus strand (C>T on the coding strand, the complement: NOTCH3 is on the minus strand). VCF-style: chr19-15178093-G-A. GRCh37 (hg19) VCF-style: chr19-15288904-G-A.
Other names: p.?.
Identifiers: ClinVar variation 4684320 (VCV004684320.1).

ClinVar aggregate classification (germline): Likely benign (1 of 4 stars; one submission).

gnomAD v4.1: 10 of 1,519,206 alleles (0.00066%); highest among the groups gnomAD compares: Non-Finnish European, 0.00088%; no homozygotes.

Submission:

Mayo Clinic Laboratories, Mayo Clinic
Classification: Likely benign. Last evaluated: 2025-08-20. Review status: criteria provided, single submitter. Criteria: ACMG Guidelines, 2015. Collection method: clinical testing. Allele origin: germline. Observed: 1 variant allele.
Comment: BP4, BP7